The following is an entry in ClinVar:

ClinVar aggregate classification (germline): Uncertain significance (1 of 4 stars; one submission).

Conditions:
RASopathy. Also called: Noonan spectrum disorder; rasopathies. Identifiers: Orphanet 536391, MedGen C5555857, MONDO:0021060.

Submission:

Labcorp Genetics (formerly Invitae), Labcorp
Classification: Uncertain significance for RASopathy. Last evaluated: 2022-06-15. Review status: criteria provided, single submitter. Criteria: Invitae Variant Classification Sherloc (09022015). Collection method: clinical testing. Allele origin: germline.
Comment: In summary, the available evidence is currently insufficient to determine the role of this variant in disease. Therefore, it has been classified as a Variant of Uncertain Significance. Advanced modeling of protein sequence and biophysical properties (such as structural, functional, and spatial information, amino acid conservation, physicochemical variation, residue mobility, and thermodynamic stability) performed at Invitae indicates that this missense variant is expected to disrupt CBL protein function. This missense change has been observed in individual(s) with Noonan syndrome (Invitae). This variant is not present in population databases (gnomAD no frequency). This sequence change replaces alanine, which is neutral and non-polar, with valine, which is neutral and non-polar, at codon 262 of the CBL protein (p.Ala262Val).

NM_005188.4(CBL):c.785C>T (p.Ala262Val)

Gene: CBL (Cbl proto-oncogene; plus strand). Cytogenetic location: 11q23.3.
Variant type: single nucleotide variant.
Coding change: c.785C>T on transcript NM_005188.4 (MANE Select); coding-DNA position 785, C replaced by T.
Protein change: p.Ala262Val; replaces alanine 262 with valine.
Molecular consequence: missense variant.
Genome position (GRCh38, 1-based): chr11:119,274,869, C>T. VCF-style: chr11-119274869-C-T. GRCh37 (hg19) VCF-style: chr11-119145579-C-T.
Other names: short protein forms A262V.
Identifiers: ClinVar variation 1470879 (VCV001470879.8), dbSNP rs1949876321, ClinGen allele CA382910753.
Genomic context (GRCh38, chr11:119,274,869, plus strand): 5'-TGTGATTGATCTTGTTTCTTTAGCCCTGGTCCTCTTTGCTCAGGAATTGGAACAGCCTTG[C>T]TGTAACTCATCCTGGCTACATGGCTTTTTTGACGTATGACGAAGTGAAAGCTCGGCTCCA-3'
Protein context (NP_005179.2, residues 252-272): SSLLRNWNSL[Ala262Val]VTHPGYMAFL